The following is an entry in ClinVar:

ClinVar aggregate classification (germline): Uncertain significance (1 of 4 stars; one submission).

Submission:

Labcorp Genetics (formerly Invitae), Labcorp
Classification: Uncertain significance. Last evaluated: 2024-10-10. Review status: criteria provided, single submitter. Criteria: Invitae Variant Classification Sherloc (09022015). Collection method: clinical testing. Allele origin: germline.
Comment: This sequence change replaces proline, which is neutral and non-polar, with serine, which is neutral and polar, at codon 967 of the SON protein (p.Pro967Ser). This variant is present in population databases (rs771031209, gnomAD 0.0009%). This variant has not been reported in the literature in individuals affected with SON-related conditions. An algorithm developed to predict the effect of missense changes on protein structure and function (PolyPhen-2) suggests that this variant is likely to be disruptive. In summary, the available evidence is currently insufficient to determine the role of this variant in disease. Therefore, it has been classified as a Variant of Uncertain Significance.

NM_138927.4(SON):c.2899C>T (p.Pro967Ser)

Gene: SON (SON DNA and RNA binding protein; plus strand). Cytogenetic location: 21q22.11.
Variant type: single nucleotide variant.
Coding change: c.2899C>T on transcript NM_138927.4 (MANE Select); coding-DNA position 2899, C replaced by T.
Protein change: p.Pro967Ser; replaces proline 967 with serine.
Molecular consequence: missense variant. On other transcripts: non-coding transcript variant (1), intron variant (1).
Genome position (GRCh38, 1-based): chr21:33,552,130, C>T. VCF-style: chr21-33552130-C-T. GRCh37 (hg19) VCF-style: chr21-34924436-C-T.
Other names: c.2899C>T, p.Pro967Ser (NM_001291411.2, NM_032195.3); c.245-5026C>T (NM_001291412.3); short protein forms P967S.
Identifiers: ClinVar variation 3700083 (VCV003700083.2).